The following is an entry in ClinVar:

NM_032808.7(LINGO1):c.1406A>G (p.Lys469Arg)

Gene: LINGO1 (leucine rich repeat and Ig domain containing 1; minus strand). Cytogenetic location: 15q24.3.
Variant type: single nucleotide variant.
Coding change: c.1406A>G on transcript NM_032808.7 (MANE Select); coding-DNA position 1406, A replaced by G.
Protein change: p.Lys469Arg; replaces lysine 469 with arginine.
Molecular consequence: missense variant.
Genome position (GRCh38, 1-based): chr15:77,614,501, T>C on the plus strand (A>G on the coding strand, the complement: LINGO1 is on the minus strand). VCF-style: chr15-77614501-T-C. GRCh37 (hg19) VCF-style: chr15-77906843-T-C.
Other names: c.1388A>G, p.Lys463Arg (NM_001301186.2, NM_001301187.2, NM_001301189.2 and 8 more transcripts); short protein forms K469R, K463R.
Identifiers: ClinVar variation 1030998 (VCV001030998.1), dbSNP rs868551107, ClinGen allele CA273793561.

ClinVar aggregate classification (germline): Uncertain significance (1 of 4 stars; one submission).

Conditions:
Intellectual developmental disorder, autosomal recessive 64. Also called: MENTAL RETARDATION, AUTOSOMAL RECESSIVE 64; Intellectual disability, autosomal recessive 64. Identifiers: MedGen C4748192, MONDO:0020846, OMIM 618103.

Allele frequency attached by ClinVar (database versions not stated): gnomAD exomes 0.00001.
gnomAD v4.1: 4 of 1,610,766 alleles (0.00025%); highest among the groups gnomAD compares: Middle Eastern, 0.066%; 1 homozygote.

Submission:

Baylor Genetics
Classification: Uncertain significance for Intellectual developmental disorder, autosomal recessive 64. Last evaluated: 2020-02-11. Review status: criteria provided, single submitter. Criteria: ACMG Guidelines, 2015. Collection method: clinical testing. Allele origin: unknown. Affected: yes.
Comment: This variant was determined to be of uncertain significance according to ACMG Guidelines, 2015 [PMID:25741868].